The following is an entry in ClinVar:

ClinVar aggregate classification (germline): Uncertain significance (1 of 4 stars; one submission).

Submission:

CeGaT Center for Human Genetics Tuebingen
Classification: Uncertain significance. Last evaluated: 2024-06-01. Review status: criteria provided, single submitter. Criteria: CeGaT Center For Human Genetics Tuebingen Variant Classification Criteria Version 2. Collection method: clinical testing. Allele origin: germline. Affected: yes. Observed: 1 variant allele.
Comment: DEPDC5: PM2, BP4

NM_001242896.3(DEPDC5):c.3021+3A>G

Gene: DEPDC5 (DEP domain containing 5, GATOR1 subcomplex subunit; plus strand). Cytogenetic location: 22q12.3.
Variant type: single nucleotide variant.
Coding change: c.3021+3A>G on transcript NM_001242896.3 (MANE Select); 3 bases into the intron after coding-DNA position 3021, A replaced by G.
Molecular consequence: intron variant.
Genome position (GRCh38, 1-based): chr22:31,845,240, A>G. VCF-style: chr22-31845240-A-G. GRCh37 (hg19) VCF-style: chr22-32241226-A-G.
Other names: c.3021+3A>G (NM_001364318.2, NM_001363852.2, NM_001364320.2); c.2994+3A>G (NM_001136029.4, NM_014662.6, NM_001369903.1); c.2787+3A>G (NM_001363854.2, NM_001242897.2, NM_001364319.2); c.2937+3A>G (NM_001369902.1, NM_001369901.1).
Identifiers: ClinVar variation 3250940 (VCV003250940.18), dbSNP rs2520194140.